The following is an entry in ClinVar:

NM_003361.4(UMOD):c.604T>C (p.Trp202Arg)

Gene: UMOD (uromodulin; minus strand). Cytogenetic location: 16p12.3.
Variant type: single nucleotide variant.
Coding change: c.604T>C on transcript NM_003361.4 (MANE Select); coding-DNA position 604, T replaced by C.
Protein change: p.Trp202Arg; replaces tryptophan 202 with arginine.
Molecular consequence: missense variant. On other transcripts: non-coding transcript variant (1).
Genome position (GRCh38, 1-based): chr16:20,348,697, A>G on the plus strand (T>C on the coding strand, the complement: UMOD is on the minus strand). VCF-style: chr16-20348697-A-G. GRCh37 (hg19) VCF-style: chr16-20360019-A-G.
Other names: c.604T>C, p.Trp202Arg (NM_001008389.3, NM_001378232.1, NM_001378233.1 and 3 more transcripts); c.703T>C, p.Trp235Arg (NM_001278614.2); short protein forms W202R, W235R.
Identifiers: ClinVar variation 2780335 (VCV002780335.3), dbSNP rs2507387572, ClinGen allele CA394985346.

ClinVar aggregate classification (germline): Likely pathogenic (1 of 4 stars; one submission).

Submission:

Labcorp Genetics (formerly Invitae), Labcorp
Classification: Likely pathogenic. Last evaluated: 2022-11-19. Review status: criteria provided, single submitter. Criteria: Invitae Variant Classification Sherloc (09022015). Collection method: clinical testing. Allele origin: germline.
Comment: In summary, the currently available evidence indicates that the variant is pathogenic, but additional data are needed to prove that conclusively. Therefore, this variant has been classified as Likely Pathogenic. This variant disrupts the p.Trp202 amino acid residue in UMOD. Other variant(s) that disrupt this residue have been determined to be pathogenic (PMID: 15086896, 26810206, 32274456, 32450155). This suggests that this residue is clinically significant, and that variants that disrupt this residue are likely to be disease-causing. Advanced modeling of protein sequence and biophysical properties (such as structural, functional, and spatial information, amino acid conservation, physicochemical variation, residue mobility, and thermodynamic stability) performed at Invitae indicates that this missense variant is expected to disrupt UMOD protein function. This missense change has been observed in individual(s) with autosomal dominant tubulo-interstitial kidney disease (PMID: 32954071). This variant is not present in population databases (gnomAD no frequency). This sequence change replaces tryptophan, which is neutral and slightly polar, with arginine, which is basic and polar, at codon 202 of the UMOD protein (p.Trp202Arg).

Literature cited by the submitters: PubMed 15086896; PubMed 26810206; PubMed 32274456; PubMed 32450155; PubMed 32954071.